The following is an entry in ClinVar:

NM_017838.4(NHP2):c.177G>C (p.Gln59His)

Gene: NHP2 (NHP2 ribonucleoprotein; minus strand). Cytogenetic location: 5q35.3.
Variant type: single nucleotide variant.
Coding change: c.177G>C on transcript NM_017838.4 (MANE Select); coding-DNA position 177, G replaced by C.
Protein change: p.Gln59His; replaces glutamine 59 with histidine.
Molecular consequence: missense variant.
Genome position (GRCh38, 1-based): chr5:178,153,544, C>G on the plus strand (G>C on the coding strand, the complement: NHP2 is on the minus strand). VCF-style: chr5-178153544-C-G. GRCh37 (hg19) VCF-style: chr5-177580545-C-G.
Other names: c.177G>C, p.Gln59His (NM_001034833.2); short protein forms Q59H.
Identifiers: ClinVar variation 1427995 (VCV001427995.6), dbSNP rs2113476075, ClinGen allele CA362392555.
Genomic context (GRCh38, chr5:178,153,544, plus strand): 5'-TTCTTACCCTTTTTCTCCTTTGTTGACAAATTTCTGAACCTCTTTCACCCCGCGCCGAAT[C>G]TGCTTCTGCTTCACCGCTGCAACGACAGAAGAGTCGGTCGGGGGCCTCGCTCAGCCACCC-3'
Protein context (NP_060308.1, residues 49-69): KCIKKAVKQK[Gln59His]IRRGVKEVQK

ClinVar aggregate classification (germline): Uncertain significance (1 of 4 stars; one submission).

Conditions:
Dyskeratosis congenita. Identifiers: Orphanet 1775, MedGen C0265965, MONDO:0015780.

Submission:

Labcorp Genetics (formerly Invitae), Labcorp
Classification: Uncertain significance for Dyskeratosis congenita. Last evaluated: 2021-11-29. Review status: criteria provided, single submitter. Criteria: Invitae Variant Classification Sherloc (09022015). Collection method: clinical testing. Allele origin: germline.
Comment: This sequence change replaces glutamine, which is neutral and polar, with histidine, which is basic and polar, at codon 59 of the NHP2 protein (p.Gln59His). This variant is not present in population databases (gnomAD no frequency). This variant has not been reported in the literature in individuals affected with NHP2-related conditions. Algorithms developed to predict the effect of missense changes on protein structure and function (SIFT, PolyPhen-2, Align-GVGD) all suggest that this variant is likely to be tolerated. In summary, the available evidence is currently insufficient to determine the role of this variant in disease. Therefore, it has been classified as a Variant of Uncertain Significance.